The following is an entry in ClinVar:

ClinVar aggregate classification (germline): Benign/Likely benign. Review status: criteria provided, multiple submitters, no conflicts (2 of 4 stars). 4 submissions from 4 submitters: Benign (1); Likely benign (3). Last evaluated 2025-10-09.

Conditions:
Leukodystrophy, hypomyelinating, 9. Identifiers: Orphanet 438114, MedGen C4015323, MONDO:0014506, OMIM 616140.

Allele frequency attached by ClinVar (database versions not stated): ESP Exome Variant Server 0.00008; gnomAD 0.00021 and 0.00029; gnomAD exomes 0.00022 and 0.00068; TOPMed 0.00036; ExAC 0.00067; 1000 Genomes Project 30x 0.00156; 1000 Genomes Project 0.00160.
gnomAD v4.1: 433 of 1,613,378 alleles (0.027%); highest among the groups gnomAD compares: East Asian, 0.76%; 5 homozygotes.

Submissions (7):

Labcorp Genetics (formerly Invitae), Labcorp
Classification: Benign. Last evaluated: 2025-10-09. Review status: criteria provided, single submitter. Criteria: Invitae Variant Classification Sherloc (09022015). Collection method: clinical testing. Allele origin: germline.

Blueprint Genetics
Classification: Likely benign. Last evaluated: 2024-10-28. Review status: criteria provided, single submitter. Criteria: ACMG Guidelines, 2015. Collection method: clinical testing. Allele origin: germline.

Fulgent Genetics
Classification: Likely benign for Leukodystrophy, hypomyelinating, 9. Last evaluated: 2021-07-10. Review status: criteria provided, single submitter. Criteria: ACMG Guidelines, 2015. Collection method: clinical testing. Allele origin: unknown.

GeneDx
Classification: Likely benign. Last evaluated: 2017-02-01. Review status: criteria provided, single submitter. Criteria: GeneDx Variant Classification (06012015). Collection method: clinical testing. Allele origin: germline. Affected: yes.
Comment: This variant is considered likely benign or benign based on one or more of the following criteria: it is a conservative change, it occurs at a poorly conserved position in the protein, it is predicted to be benign by multiple in silico algorithms, and/or has population frequency not consistent with disease.

Dr. Peter K. Rogan Lab, Western University
No classification provided (evidence only). Condition: Familial cancer of breast. Review status: no classification provided. Collection method: in vitro. Allele origin: not applicable. Functional consequence: retained intron. Not counted in ClinVar's aggregate classification.

Dr. Peter K. Rogan Lab, Western University
No classification provided (evidence only). Condition: Gastric cancer. Review status: no classification provided. Collection method: in vitro. Allele origin: not applicable. Functional consequence: retained intron. Not counted in ClinVar's aggregate classification.

Dr. Peter K. Rogan Lab, Western University
No classification provided (evidence only). Condition: Ovarian cancer. Review status: no classification provided. Collection method: in vitro. Allele origin: not applicable. Functional consequence: retained intron. Not counted in ClinVar's aggregate classification.

NM_002887.4(RARS1):c.1453-17T>G

Gene: RARS1 (arginyl-tRNA synthetase 1; plus strand). Cytogenetic location: 5q34.
Variant type: single nucleotide variant.
Coding change: c.1453-17T>G on transcript NM_002887.4 (MANE Select); 17 bases into the intron before coding-DNA position 1453, T replaced by G.
Molecular consequence: intron variant.
Genome position (GRCh38, 1-based): chr5:168,516,761, T>G. VCF-style: chr5-168516761-T-G. GRCh37 (hg19) VCF-style: chr5-167943766-T-G.
Identifiers: ClinVar variation 507095 (VCV000507095.12), dbSNP rs202160674, ClinGen allele CA3549936.